The following is an entry in ClinVar:

NM_002609.4(PDGFRB):c.461C>G (p.Pro154Arg)

Gene: PDGFRB (platelet derived growth factor receptor beta; minus strand). Cytogenetic location: 5q32.
Variant type: single nucleotide variant.
Coding change: c.461C>G on transcript NM_002609.4 (MANE Select); coding-DNA position 461, C replaced by G.
Protein change: p.Pro154Arg; replaces proline 154 with arginine.
Molecular consequence: missense variant. On other transcripts: 5 prime UTR variant (1).
Genome position (GRCh38, 1-based): chr5:150,134,920, G>C on the plus strand (C>G on the coding strand, the complement: PDGFRB is on the minus strand). VCF-style: chr5-150134920-G-C. GRCh37 (hg19) VCF-style: chr5-149514483-G-C.
Other names: c.461C>G (NM_002609.3); c.269C>G, p.Pro90Arg (NM_001355016.2); c.-57C>G (NM_001355017.2); short protein forms P154R, P90R.
Identifiers: ClinVar variation 2933154 (VCV002933154.4), dbSNP rs774900944, ClinGen allele CA3508304.

ClinVar aggregate classification (germline): Uncertain significance. Review status: criteria provided, multiple submitters, no conflicts (2 of 4 stars). 2 submissions from 2 submitters: Uncertain significance (2). Last evaluated 2024-12-03.

Conditions:
Infantile myofibromatosis (IMF). Also called: Congenital generalized fibromatosis. Identifiers: Orphanet 2591, MedGen C0432284, MONDO:0016824.
Skeletal overgrowth-craniofacial dysmorphism-hyperelastic skin-white matter lesions syndrome. Also called: SKELETAL OVERGROWTH WITH FACIAL DYSMORPHISM, HYPERELASTIC SKIN, WHITE MATTER LESIONS, AND NEUROLOGIC DETERIORATION; Kosaki overgrowth syndrome. Identifiers: Orphanet 477831, MedGen C4225270, MONDO:0014704, OMIM 616592.
Acroosteolysis-keloid-like lesions-premature aging syndrome. Also called: Premature aging syndrome, Penttinen type; Prematurely aged appearance, delayed bone maturation, acro-osteolysis, and brachydactyly; Progeroid syndrome, Penttinen type. Identifiers: Orphanet 363665, MedGen C1866182, MONDO:0011150, OMIM 601812.
Basal ganglia calcification, idiopathic, 4 (PFBC4). Also called: Familial Idiopathic Basal Ganglia Calcification 4; PRIMARY FAMILIAL BRAIN CALCIFICATION 4, AUTOSOMAL DOMINANT. Identifiers: Orphanet 1980, MedGen C3554321, MONDO:0014004, OMIM 615007.
Inborn genetic diseases. Identifiers: MedGen C0950123, MeSH D030342.

Allele frequency attached by ClinVar (database versions not stated): TOPMed below 0.00001; ExAC 0.00001.

Submissions (2):

Ambry Genetics
Classification: Uncertain significance for Inborn genetic diseases. Last evaluated: 2024-12-03. Review status: criteria provided, single submitter. Criteria: Ambry Variant Classification Scheme 2023. Collection method: clinical testing. Allele origin: germline.

Labcorp Genetics (formerly Invitae), Labcorp
Classification: Uncertain significance for Basal ganglia calcification, idiopathic, 4; Skeletal overgrowth-craniofacial dysmorphism-hyperelastic skin-white matter lesions syndrome; Infantile myofibromatosis; Acroosteolysis-keloid-like lesions-premature aging syndrome. Last evaluated: 2023-12-19. Review status: criteria provided, single submitter. Criteria: Invitae Variant Classification Sherloc (09022015). Collection method: clinical testing. Allele origin: germline.
Comment: This sequence change replaces proline, which is neutral and non-polar, with arginine, which is basic and polar, at codon 154 of the PDGFRB protein (p.Pro154Arg). This variant is present in population databases (rs774900944, gnomAD 0.0009%). This variant has not been reported in the literature in individuals affected with PDGFRB-related conditions. Advanced modeling of protein sequence and biophysical properties (such as structural, functional, and spatial information, amino acid conservation, physicochemical variation, residue mobility, and thermodynamic stability) has been performed at Invitae for this missense variant, however the output from this modeling did not meet the statistical confidence thresholds required to predict the impact of this variant on PDGFRB protein function. In summary, the available evidence is currently insufficient to determine the role of this variant in disease. Therefore, it has been classified as a Variant of Uncertain Significance.